The following is an entry in ClinVar:

ClinVar aggregate classification (germline): Uncertain significance (1 of 4 stars; one submission).

gnomAD v4.1: 4 of 1,614,102 alleles (0.00025%); highest among the groups gnomAD compares: Non-Finnish European, 0.00034%; no homozygotes.

Submission:

Labcorp Genetics (formerly Invitae), Labcorp
Classification: Uncertain significance. Last evaluated: 2025-02-06. Review status: criteria provided, single submitter. Criteria: Invitae Variant Classification Sherloc (09022015). Collection method: clinical testing. Allele origin: germline.
Comment: This sequence change replaces arginine, which is basic and polar, with glycine, which is neutral and non-polar, at codon 388 of the SLC1A3 protein (p.Arg388Gly). This variant is present in population databases (no rsID available, gnomAD 0.007%). This variant has not been reported in the literature in individuals affected with SLC1A3-related conditions. Invitae Evidence Modeling of protein sequence and biophysical properties (such as structural, functional, and spatial information, amino acid conservation, physicochemical variation, residue mobility, and thermodynamic stability) indicates that this missense variant is not expected to disrupt SLC1A3 protein function with a negative predictive value of 80%. In summary, the available evidence is currently insufficient to determine the role of this variant in disease. Therefore, it has been classified as a Variant of Uncertain Significance.

NM_004172.5(SLC1A3):c.1162A>G (p.Arg388Gly)

Genes: SLC1A3 (solute carrier family 1 member 3; plus strand), SLC1A3-AS1 (SLC1A3 antisense RNA 1; minus strand). Cytogenetic location: 5p13.2.
Variant type: single nucleotide variant.
Coding change: c.1162A>G on transcript NM_004172.5 (MANE Select); coding-DNA position 1162, A replaced by G.
Protein change: p.Arg388Gly; replaces arginine 388 with glycine.
Molecular consequence: missense variant.
Genome position (GRCh38, 1-based): chr5:36,680,462, A>G. VCF-style: chr5-36680462-A-G. GRCh37 (hg19) VCF-style: chr5-36680564-A-G.
Other names: c.1162A>G, p.Arg388Gly (NM_001166695.3, NM_001438454.1, NM_001438455.1 and 3 more transcripts); c.1024A>G, p.Arg342Gly (NM_001289939.2); c.826A>G, p.Arg276Gly (NM_001289940.2); c.1303A>G, p.Arg435Gly (NM_001438458.1); c.880A>G, p.Arg294Gly (NM_001438460.1); c.862A>G, p.Arg288Gly (NM_001438461.1); c.841A>G, p.Arg281Gly (NM_001438462.1); short protein forms R281G, R388G, R435G, R294G, R276G, R288G, R342G.
Identifiers: ClinVar variation 4770633 (VCV004770633.1).
Genomic context (GRCh38, chr5:36,680,462, plus strand): 5'-ACCCTACCCATCACCTTCAAGTGCCTGGAAGAGAACAATGGCGTGGACAAGCGCGTCACC[A>G]GATTCGTGCTCCCCGTAGGAGCCACCATTAACATGGATGGGACTGCCCTCTATGAGGCTT-3'
Protein context (NP_004163.3, residues 378-398): ENNGVDKRVT[Arg388Gly]FVLPVGATIN